The following is an entry in ClinVar:

ClinVar aggregate classification (germline): Uncertain significance (1 of 4 stars; one submission).

Allele frequency attached by ClinVar (database versions not stated): ExAC 0.00001.
gnomAD v4.1: 1 of 1,613,994 alleles (0.000062%); highest among the groups gnomAD compares: Admixed American, 0.0017%; no homozygotes.

Submission:

Ambry Genetics
Classification: Uncertain significance. Last evaluated: 2023-03-02. Review status: criteria provided, single submitter. Criteria: Ambry Variant Classification Scheme 2023. Collection method: clinical testing. Allele origin: germline.
Comment: The p.S582T variant (also known as c.1744T>A), located in coding exon 9 of the PALLD gene, results from a T to A substitution at nucleotide position 1744. The serine at codon 582 is replaced by threonine, an amino acid with similar properties. This amino acid position is conserved. In addition, this alteration is predicted to be tolerated by in silico analysis. Since supporting evidence is limited at this time, the clinical significance of this alteration remains unclear.

NM_001166108.2(PALLD):c.1744T>A (p.Ser582Thr)

Gene: PALLD (palladin, cytoskeletal associated protein; plus strand). Cytogenetic location: 4q32.3.
Variant type: single nucleotide variant.
Coding change: c.1744T>A on transcript NM_001166108.2 (MANE Select); coding-DNA position 1744, T replaced by A.
Protein change: p.Ser582Thr; replaces serine 582 with threonine.
Molecular consequence: missense variant.
Genome position (GRCh38, 1-based): chr4:168,711,703, T>A. VCF-style: chr4-168711703-T-A. GRCh37 (hg19) VCF-style: chr4-169632854-T-A.
Other names: c.598T>A, p.Ser200Thr (NM_001166109.2); c.1744T>A, p.Ser582Thr (NM_016081.4); short protein forms S200T, S582T.
Identifiers: ClinVar variation 2448511 (VCV002448511.2), dbSNP rs749527043, ClinGen allele CA3135719.